The following is an entry in ClinVar:

ClinVar aggregate classification (germline): Uncertain significance (1 of 4 stars; one submission).

Conditions:
Congenital contractural arachnodactyly (CCA). Also called: BEALS SYNDROME; Beals-Hecht syndrome; Arthrogryposis, distal, type 9. Identifiers: Orphanet 115, MedGen C0220668, MONDO:0007363, OMIM 121050.

Submission:

Labcorp Genetics (formerly Invitae), Labcorp
Classification: Uncertain significance for Congenital contractural arachnodactyly. Last evaluated: 2023-08-14. Review status: criteria provided, single submitter. Criteria: Invitae Variant Classification Sherloc (09022015). Collection method: clinical testing. Allele origin: germline.
Comment: This sequence change replaces valine, which is neutral and non-polar, with leucine, which is neutral and non-polar, at codon 2209 of the FBN2 protein (p.Val2209Leu). This variant is not present in population databases (gnomAD no frequency). This variant has not been reported in the literature in individuals affected with FBN2-related conditions. Advanced modeling of protein sequence and biophysical properties (such as structural, functional, and spatial information, amino acid conservation, physicochemical variation, residue mobility, and thermodynamic stability) performed at Invitae indicates that this missense variant is not expected to disrupt FBN2 protein function. In summary, the available evidence is currently insufficient to determine the role of this variant in disease. Therefore, it has been classified as a Variant of Uncertain Significance.

NM_001999.4(FBN2):c.6625G>T (p.Val2209Leu)

Gene: FBN2 (fibrillin 2; minus strand). Cytogenetic location: 5q23.3.
Variant type: single nucleotide variant.
Coding change: c.6625G>T on transcript NM_001999.4 (MANE Select); coding-DNA position 6625, G replaced by T.
Protein change: p.Val2209Leu; replaces valine 2209 with leucine.
Molecular consequence: missense variant.
Genome position (GRCh38, 1-based): chr5:128,289,139, C>A on the plus strand (G>T on the coding strand, the complement: FBN2 is on the minus strand). VCF-style: chr5-128289139-C-A. GRCh37 (hg19) VCF-style: chr5-127624831-C-A.
Other names: short protein forms V2209L.
Identifiers: ClinVar variation 2752556 (VCV002752556.3), dbSNP rs2479677732, ClinGen allele CA360760831.
Genomic context (GRCh38, chr5:128,289,139, plus strand): 5'-GAAGTAAAATAGAACTTTAAAATTCTGTAATGTGGAGCCAACACTCACCCACACAGCGTA[C>A]TCCAGTGTAGTCAAGGTTGTAGCCCATTGGACATTCACAGCGAAAAGATCCGTCGGTGTT-3'
Protein context (NP_001990.2, residues 2199-2219): PMGYNLDYTG[Val2209Leu]RCVDTDECSI